The following is an entry in ClinVar:

ClinVar aggregate classification (germline): Benign/Likely benign. Review status: criteria provided, multiple submitters, no conflicts (2 of 4 stars). 5 submissions from 5 submitters: Benign (2); Likely benign (3). Last evaluated 2026-03-01.

Allele frequency attached by ClinVar (database versions not stated): 1000 Genomes Project 30x 0.00125; 1000 Genomes Project 0.00140; ESP Exome Variant Server 0.00192; gnomAD 0.00200 and 0.00209; TOPMed 0.00208; gnomAD exomes 0.00228; ExAC 0.00288.
gnomAD v4.1: 4,144 of 1,612,974 alleles (0.26%); highest among the groups gnomAD compares: Non-Finnish European, 0.3%; 8 homozygotes.

Submissions (5):

CeGaT Center for Human Genetics Tuebingen
Classification: Likely benign. Last evaluated: 2026-03-01. Review status: criteria provided, single submitter. Criteria: CeGaT Center For Human Genetics Tuebingen Variant Classification Criteria Version 2. Collection method: clinical testing. Allele origin: germline. Affected: yes. Observed: 8 variant alleles.
Comment: RALGAPA1: BP4, BP7

Mayo Clinic Laboratories, Mayo Clinic
Classification: Likely benign. Last evaluated: 2025-04-06. Review status: criteria provided, single submitter. Criteria: ACMG Guidelines, 2015. Collection method: clinical testing. Allele origin: germline. Observed: 2 variant alleles.
Comment: BS2, BP4, BP7

Blueprint Genetics
Classification: Likely benign. Last evaluated: 2024-11-25. Review status: criteria provided, single submitter. Criteria: ACMG Guidelines, 2015. Collection method: clinical testing. Allele origin: germline.

Labcorp Genetics (formerly Invitae), Labcorp
Classification: Benign. Last evaluated: 2018-07-17. Review status: criteria provided, single submitter. Criteria: Invitae Variant Classification Sherloc (09022015). Collection method: clinical testing. Allele origin: germline.

Breakthrough Genomics
Classification: Benign. Review status: criteria provided, single submitter. Criteria: ACMG Guidelines, 2015. Collection method: not provided. Allele origin: germline. Inheritance: Autosomal recessive inheritance. Affected: yes.

NM_001346249.2(RALGAPA1):c.42C>T (p.Thr14=)

Gene: RALGAPA1 (Ral GTPase activating protein catalytic subunit alpha 1; minus strand). Cytogenetic location: 14q13.2.
Variant type: single nucleotide variant.
Coding change: c.42C>T on transcript NM_001346249.2 (MANE Select); coding-DNA position 42, C replaced by T.
Protein change: p.Thr14=; no amino-acid change (threonine 14 retained).
Molecular consequence: synonymous variant.
Genome position (GRCh38, 1-based): chr14:35,808,794, G>A on the plus strand (C>T on the coding strand, the complement: RALGAPA1 is on the minus strand). VCF-style: chr14-35808794-G-A. GRCh37 (hg19) VCF-style: chr14-36278000-G-A.
Other names: p.Thr14=; c.42C>T, p.Thr14= (NM_001283043.3, NM_001283044.3, NM_001330075.3 and 7 more transcripts).
Identifiers: ClinVar variation 717736 (VCV000717736.32), dbSNP rs148182075, ClinGen allele CA7157427.